The following is an entry in ClinVar:

NM_001101362.3(KBTBD13):c.118A>G (p.Met40Val)

Gene: KBTBD13 (kelch repeat and BTB domain containing 13; plus strand). Cytogenetic location: 15q22.31.
Variant type: single nucleotide variant.
Coding change: c.118A>G on transcript NM_001101362.3 (MANE Select); coding-DNA position 118, A replaced by G.
Protein change: p.Met40Val; replaces methionine 40 with valine.
Molecular consequence: missense variant.
Genome position (GRCh38, 1-based): chr15:65,076,933, A>G. VCF-style: chr15-65076933-A-G. GRCh37 (hg19) VCF-style: chr15-65369271-A-G.
Other names: short protein forms M40V.
Identifiers: ClinVar variation 1481987 (VCV001481987.8), dbSNP rs1479237002, ClinGen allele CA392856522.

ClinVar aggregate classification (germline): Uncertain significance (1 of 4 stars; one submission).

Conditions:
Nemaline myopathy 6 (NEM6). Also called: Nemaline myopathy 6, autosomal dominant. Identifiers: Orphanet 171439, MedGen C1836472, MONDO:0012237, OMIM 609273.

Submission:

Labcorp Genetics (formerly Invitae), Labcorp
Classification: Uncertain significance for Nemaline myopathy 6. Last evaluated: 2020-11-06. Review status: criteria provided, single submitter. Criteria: Invitae Variant Classification Sherloc (09022015). Collection method: clinical testing. Allele origin: germline.
Comment: This sequence change replaces methionine with valine at codon 40 of the KBTBD13 protein (p.Met40Val). The methionine residue is highly conserved and there is a small physicochemical difference between methionine and valine. In summary, the available evidence is currently insufficient to determine the role of this variant in disease. Therefore, it has been classified as a Variant of Uncertain Significance. Algorithms developed to predict the effect of missense changes on protein structure and function are either unavailable or do not agree on the potential impact of this missense change (SIFT: "Deleterious"; PolyPhen-2: "Benign"; Align-GVGD: "Class C0"). This variant has not been reported in the literature in individuals with KBTBD13-related conditions. The frequency data for this variant in the population databases is considered unreliable, as metrics indicate insufficient coverage at this position in the ExAC database.